The following is an entry in ClinVar:

ClinVar aggregate classification (germline): Uncertain significance (1 of 4 stars; one submission).

Submission:

GeneDx
Classification: Uncertain significance. Last evaluated: 2024-08-02. Review status: criteria provided, single submitter. Criteria: GeneDx Variant Classification Process June 2021. Collection method: clinical testing. Allele origin: germline. Affected: yes.
Comment: Not observed at significant frequency in large population cohorts (gnomAD); In silico analysis supports that this missense variant has a deleterious effect on protein structure/function; Has not been previously published as pathogenic or benign to our knowledge

NM_001009944.3(PKD1):c.380T>C (p.Phe127Ser)

Gene: PKD1 (polycystin 1, transient receptor potential channel interacting; minus strand). Cytogenetic location: 16p13.3.
Variant type: single nucleotide variant.
Coding change: c.380T>C on transcript NM_001009944.3 (MANE Select); coding-DNA position 380, T replaced by C.
Protein change: p.Phe127Ser; replaces phenylalanine 127 with serine.
Molecular consequence: missense variant.
Genome position (GRCh38, 1-based): chr16:2,118,825, A>G on the plus strand (T>C on the coding strand, the complement: PKD1 is on the minus strand). VCF-style: chr16-2118825-A-G. GRCh37 (hg19) VCF-style: chr16-2168826-A-G.
Other names: c.380T>C, p.Phe127Ser (NM_000296.4); short protein forms F127S.
Identifiers: ClinVar variation 3602477 (VCV003602477.1).
Genomic context (GRCh38, chr16:2,118,825, plus strand): 5'-ACCCGCACCTGCTGCTCCTCCGCCCATCGCGGCAGCCACGCCAGGCCACAGTCACACTCA[A>G]ACGGGTTCCCACTCAGGTTTCTGCAGGGCAGGGGCAGGTGTTGGGGACCAGGTCTGGTGG-3'
Protein context (NP_001009944.3, residues 117-137): LSEINLSGNP[Phe127Ser]ECDCGLAWLP